The following is an entry in ClinVar:

ClinVar aggregate classification (germline): Uncertain significance (1 of 4 stars; one submission).

Submission:

GeneDx
Classification: Uncertain significance. Last evaluated: 2016-05-02. Review status: criteria provided, single submitter. Criteria: GeneDx Variant Classification (06012015). Collection method: clinical testing. Allele origin: germline. Affected: yes.
Comment: A variant of uncertain significance has been identified in the C5orf42 gene. The G1229R variant has not been published as a pathogenic variant, nor has it been reported as a benign variant to our knowledge. It was not observed in approximately 6,500 individuals of European and African American ancestry in the NHLBI Exome Sequencing Project, indicating it is not a common benign variant in these populations. This substitution occurs at a position where amino acids with similar properties to Glycine are tolerated across species; however, the G1229R variant is a non-conservative amino acid substitution, which is likely to impact secondary protein structure as these residues differ in polarity, charge, size and/or other properties. In silico analysis is inconsistent in its predictions as to whether or not the variant is damaging to the protein structure/function. Based on the currently available information, it is unclear whether this variant is a pathogenic variant or a rare benign variant.

NM_001384732.1(CPLANE1):c.3685G>C (p.Gly1229Arg)

Gene: CPLANE1 (ciliogenesis and planar polarity effector complex subunit 1; minus strand). Cytogenetic location: 5p13.2.
Variant type: single nucleotide variant.
Coding change: c.3685G>C on transcript NM_001384732.1 (MANE Select); coding-DNA position 3685, G replaced by C.
Protein change: p.Gly1229Arg; replaces glycine 1229 with arginine.
Molecular consequence: missense variant.
Genome position (GRCh38, 1-based): chr5:37,195,984, C>G on the plus strand (G>C on the coding strand, the complement: CPLANE1 is on the minus strand). VCF-style: chr5-37195984-C-G. GRCh37 (hg19) VCF-style: chr5-37196086-C-G.
Other names: c.3685G>C, p.Gly1229Arg (NM_023073.4); short protein forms G1229R.
Identifiers: ClinVar variation 385619 (VCV000385619.2), dbSNP rs1057522278, ClinGen allele CA16604797.
Genomic context (GRCh38, chr5:37,195,984, plus strand): 5'-TACCTCCTTTACAGTAATTAAGTAATGACTGAGGAAAAGGACTCAGTGAAGGAAGGGATC[C>G]TTTCATTCGAATCTAAAAGTAAAGAATAACCGAACATGTTAATTATCAGCTGTATAAATC-3'
Protein context (NP_001371661.1, residues 1219-1239): RKVMQKIRMK[Gly1229Arg]SLPSLSPFPQ